The following is an entry in ClinVar:

NM_000057.4(BLM):c.28C>G (p.Gln10Glu)

Gene: BLM (BLM RecQ like helicase; plus strand). Cytogenetic location: 15q26.1.
Variant type: single nucleotide variant.
Coding change: c.28C>G on transcript NM_000057.4 (MANE Select); coding-DNA position 28, C replaced by G.
Protein change: p.Gln10Glu; replaces glutamine 10 with glutamic acid.
Molecular consequence: missense variant. On other transcripts: 5 prime UTR variant (1).
Genome position (GRCh38, 1-based): chr15:90,747,420, C>G. VCF-style: chr15-90747420-C-G. GRCh37 (hg19) VCF-style: chr15-91290650-C-G.
Other names: c.28C>G, p.Gln10Glu (NM_001287246.2, NM_001287247.2); c.-1264C>G (NM_001287248.2); short protein forms Q10E.
Identifiers: ClinVar variation 5032897 (VCV005032897.1).

ClinVar aggregate classification (germline): Uncertain significance (1 of 4 stars; one submission).

Conditions:
Hereditary cancer-predisposing syndrome. Also called: Neoplastic Syndromes, Hereditary; Tumor predisposition; Hereditary neoplastic syndrome; Hereditary Cancer Syndrome. Identifiers: Orphanet 140162, MedGen C0027672, MeSH D009386, MONDO:0015356.

Submission:

Ambry Genetics
Classification: Uncertain significance for Hereditary cancer-predisposing syndrome. Last evaluated: 2026-07-07. Review status: criteria provided, single submitter. Criteria: Ambry Variant Classification Scheme 2023. Collection method: clinical testing. Allele origin: germline.
Comment: The p.Q10E variant (also known as c.28C>G), located in coding exon 1 of the BLM gene, results from a C to G substitution at nucleotide position 28. The glutamine at codon 10 is replaced by glutamic acid, an amino acid with highly similar properties. This amino acid position is conserved. In addition, this alteration is predicted to be tolerated by in silico analysis. Based on the available evidence, the clinical significance of this variant remains unclear.